The following is an entry in ClinVar:

NM_000384.3(APOB):c.5493C>T (p.Tyr1831=)

Gene: APOB (apolipoprotein B; minus strand). Cytogenetic location: 2p24.1.
Variant type: single nucleotide variant.
Coding change: c.5493C>T on transcript NM_000384.3 (MANE Select); coding-DNA position 5493, C replaced by T.
Protein change: p.Tyr1831=; no amino-acid change (tyrosine 1831 retained).
Molecular consequence: synonymous variant.
Genome position (GRCh38, 1-based): chr2:21,011,375, G>A on the plus strand (C>T on the coding strand, the complement: APOB is on the minus strand). VCF-style: chr2-21011375-G-A. GRCh37 (hg19) VCF-style: chr2-21234247-G-A.
Identifiers: ClinVar variation 4888252 (VCV004888252.1).

ClinVar aggregate classification (germline): Likely benign (1 of 4 stars; one submission).

Conditions:
Familial hypercholesterolemia. Also called: Familial hypercholesterolemias; Familial hypercholesterolaemia. Identifiers: MedGen C0020445, MONDO:0005439.

gnomAD v4.1: 1 of 1,613,954 alleles (0.000062%); highest among the groups gnomAD compares: Non-Finnish European, 0.000085%; no homozygotes.

Submission:

GENinCode PLC
Classification: Likely benign for Familial hypercholesterolemia. Last evaluated: 2025-11-14. Review status: criteria provided, single submitter. Criteria: ACMG Guidelines, 2015. Collection method: clinical testing. Allele origin: germline.
Comment: This is a synonymous (silent) variant that is not predicted to impact splicing and occurs at a nucleotide which is not highly conserved. This variant has been classified as Likely Benign (BP4, BP7).